The following is an entry in ClinVar:

NM_021939.4(FKBP10):c.799G>A (p.Ala267Thr)

Gene: FKBP10 (FKBP prolyl isomerase 10; plus strand). Cytogenetic location: 17q21.2.
Variant type: single nucleotide variant.
Coding change: c.799G>A on transcript NM_021939.4 (MANE Select); coding-DNA position 799, G replaced by A.
Protein change: p.Ala267Thr; replaces alanine 267 with threonine.
Molecular consequence: missense variant.
Genome position (GRCh38, 1-based): chr17:41,819,281, G>A. VCF-style: chr17-41819281-G-A. GRCh37 (hg19) VCF-style: chr17-39975533-G-A.
Other names: c.799G>A (NM_021939.3); short protein forms A267T.
Identifiers: ClinVar variation 1500756 (VCV001500756.6), dbSNP rs377726143, ClinGen allele CA8566367.

ClinVar aggregate classification (germline): Conflicting classifications of pathogenicity. Review status: criteria provided, conflicting classifications (1 of 4 stars). 2 submissions from 2 submitters: Uncertain significance (1); Likely benign (1). Last evaluated 2025-02-12.

Conditions:
Inborn genetic diseases. Identifiers: MedGen C0950123, MeSH D030342.

Allele frequency attached by ClinVar (database versions not stated): gnomAD exomes 0.00003 and 0.00007; gnomAD 0.00004; ExAC 0.00005; TOPMed 0.00005; ESP Exome Variant Server 0.00008.

Submissions (2):

Ambry Genetics
Classification: Likely benign for Inborn genetic diseases. Last evaluated: 2025-02-12. Review status: criteria provided, single submitter. Criteria: Ambry Variant Classification Scheme 2023. Collection method: clinical testing. Allele origin: germline.

Labcorp Genetics (formerly Invitae), Labcorp
Classification: Uncertain significance. Last evaluated: 2021-09-17. Review status: criteria provided, single submitter. Criteria: Invitae Variant Classification Sherloc (09022015). Collection method: clinical testing. Allele origin: germline.
Comment: This sequence change replaces alanine with threonine at codon 267 of the FKBP10 protein (p.Ala267Thr). The alanine residue is weakly conserved and there is a small physicochemical difference between alanine and threonine. This variant is present in population databases (rs377726143, ExAC 0.008%). This variant has not been reported in the literature in individuals affected with FKBP10-related conditions. Algorithms developed to predict the effect of missense changes on protein structure and function output the following: SIFT: "Tolerated"; PolyPhen-2: "Benign"; Align-GVGD: "Class C0". The threonine amino acid residue is found in multiple mammalian species, which suggests that this missense change does not adversely affect protein function. In summary, the available evidence is currently insufficient to determine the role of this variant in disease. Therefore, it has been classified as a Variant of Uncertain Significance.